The following is an entry in ClinVar:

ClinVar aggregate classification (germline): Uncertain significance. Review status: criteria provided, multiple submitters, no conflicts (2 of 4 stars). 3 submissions from 3 submitters: Uncertain significance (3). Last evaluated 2024-12-15.

Conditions:
Wilms tumor 1 (WT1). Also called: Wilms tumor, somatic. Identifiers: Orphanet 654, MedGen CN033288, MONDO:0008679, OMIM 194070.
11p partial monosomy syndrome (WAGR). Also called: WAGR Spectrum Disorder; CHROMOSOME 11p13 DELETION SYNDROME; WAGR syndrome; WAGR Complex. Identifiers: Orphanet 893, MedGen C0206115, MONDO:0008681, OMIM 194072.
Frasier syndrome. Identifiers: Orphanet 347, MedGen C0950122, MeSH D052159, MONDO:0007635, OMIM 136680.
Drash syndrome (DDS). Also called: WILMS TUMOR AND PSEUDO- OR TRUE HERMAPHRODITISM; NEPHROPATHY, WILMS TUMOR, AND GENITAL ANOMALIES. Identifiers: Orphanet 220, MedGen C0950121, MONDO:0008682, OMIM 194080.
Inborn genetic diseases. Identifiers: MedGen C0950123, MeSH D030342.

Allele frequency attached by ClinVar (database versions not stated): TOPMed 0.00001.
gnomAD v4.1: 5 of 1,612,804 alleles (0.00031%); highest among the groups gnomAD compares: African/African-American, 0.0053%; no homozygotes.

Submissions (3):

Ambry Genetics
Classification: Uncertain significance for Inborn genetic diseases. Last evaluated: 2024-12-15. Review status: criteria provided, single submitter. Criteria: Ambry Variant Classification Scheme 2023. Collection method: clinical testing. Allele origin: germline.
Comment: The p.I212L variant (also known as c.634A>C), located in coding exon 1 of the WT1 gene, results from an A to C substitution at nucleotide position 634. The isoleucine at codon 212 is replaced by leucine, an amino acid with highly similar properties. This amino acid position is conserved. In addition, this alteration is predicted to be tolerated by in silico analysis. Based on the available evidence, the clinical significance of this variant remains unclear.

All of Us Research Program, National Institutes of Health
Classification: Uncertain significance for Wilms tumor 1. Last evaluated: 2023-02-24. Review status: criteria provided, single submitter. Criteria: ACMG Guidelines, 2015. Collection method: clinical testing. Allele origin: germline. Inheritance: Autosomal dominant inheritance. Observed: 1 variant allele, 1 heterozygote.
Comment: This missense variant replaces isoleucine with leucine at codon 212 of the WT1 protein. Computational prediction suggests that this variant may not impact protein structure and function (internally defined REVEL score threshold <= 0.5, PMID: 27666373). To our knowledge, functional studies have not been reported for this variant. This variant has not been reported in individuals affected with WT1-related disorders in the literature. This variant has been identified in 1/31402 chromosomes in the general population by the Genome Aggregation Database (gnomAD). The available evidence is insufficient to determine the role of this variant in disease conclusively. Therefore, this variant is classified as a Variant of Uncertain Significance.

This study involves interpretation of variants in research participants for the purpose of population health screening. Participant phenotype was not available at the time of variant classification. Additional details can be found in publication PMID: 35346344, PMCID: PMC8962531

Labcorp Genetics (formerly Invitae), Labcorp
Classification: Uncertain significance for Wilms tumor 1; Drash syndrome; 11p partial monosomy syndrome; Frasier syndrome. Last evaluated: 2022-06-26. Review status: criteria provided, single submitter. Criteria: Invitae Variant Classification Sherloc (09022015). Collection method: clinical testing. Allele origin: germline.
Comment: In summary, the available evidence is currently insufficient to determine the role of this variant in disease. Therefore, it has been classified as a Variant of Uncertain Significance. Algorithms developed to predict the effect of missense changes on protein structure and function (SIFT, PolyPhen-2, Align-GVGD) all suggest that this variant is likely to be tolerated. ClinVar contains an entry for this variant (Variation ID: 1009159). This variant has not been reported in the literature in individuals affected with WT1-related conditions. This variant is present in population databases (no rsID available, gnomAD 0.01%). This sequence change replaces isoleucine, which is neutral and non-polar, with leucine, which is neutral and non-polar, at codon 212 of the WT1 protein (p.Ile212Leu).

NM_024426.6(WT1):c.649A>C (p.Ile217Leu)

Genes: WT1 (WT1 transcription factor; minus strand), LOC107982234 (WT1/WT1-AS bi-directional promoter region; plus strand). Cytogenetic location: 11p13.
Variant type: single nucleotide variant.
Coding change: c.649A>C on transcript NM_024426.6 (MANE Select); coding-DNA position 649, A replaced by C.
Protein change: p.Ile217Leu; replaces isoleucine 217 with leucine.
Molecular consequence: missense variant. On other transcripts: non-coding transcript variant (1).
Genome position (GRCh38, 1-based): chr11:32,434,712, T>G on the plus strand (A>C on the coding strand, the complement: WT1 is on the minus strand). VCF-style: chr11-32434712-T-G. GRCh37 (hg19) VCF-style: chr11-32456258-T-G.
Other names: c.634A>C (NM_024426.4); c.649A>C, p.Ile217Leu (NM_000378.6, NM_024424.5); short protein forms I217L.
Identifiers: ClinVar variation 1009159 (VCV001009159.11), dbSNP rs1384974578, ClinGen allele CA379964421.